The following is an entry in ClinVar:

NM_000287.4(PEX6):c.814C>T (p.Leu272Phe)

Gene: PEX6 (peroxisomal biogenesis factor 6; minus strand). Cytogenetic location: 6p21.1.
Variant type: single nucleotide variant.
Coding change: c.814C>T on transcript NM_000287.4 (MANE Select); coding-DNA position 814, C replaced by T.
Protein change: p.Leu272Phe; replaces leucine 272 with phenylalanine.
Molecular consequence: missense variant. On other transcripts: non-coding transcript variant (1), intron variant (1).
Genome position (GRCh38, 1-based): chr6:42,978,337, G>A on the plus strand (C>T on the coding strand, the complement: PEX6 is on the minus strand). VCF-style: chr6-42978337-G-A. GRCh37 (hg19) VCF-style: chr6-42946075-G-A.
Other names: c.618+196C>T (NM_001316313.2); short protein forms L272F.
Identifiers: ClinVar variation 4983036 (VCV004983036.1).

ClinVar aggregate classification (germline): Uncertain significance (1 of 4 stars; one submission).

Conditions:
PEX6-related disorder. Also called: PEX6-related disorders; PEX6-related condition.

gnomAD v4.1: 3 of 1,614,210 alleles (0.00019%); highest among the groups gnomAD compares: South Asian, 0.0011%; no homozygotes.

Submission:

PreventionGenetics, part of Exact Sciences
Classification: Uncertain significance for PEX6-related condition. Last evaluated: 2026-06-27. Review status: criteria provided, single submitter. Criteria: ACMG Guidelines, 2015. Collection method: clinical testing. Allele origin: germline.
Comment: The PEX6 c.814C>T variant is predicted to result in the amino acid substitution p.Leu272Phe. To our knowledge, this variant has not been reported in the literature or in a large population database (gnomAD), indicating this variant is rare. At this time, the clinical significance of this variant is uncertain due to the absence of conclusive functional and genetic evidence.